The following is an entry in ClinVar:

NC_000003.11:g.(113507723_113508578)_(113524373_113528181)dup

Gene: ATP6V1A (ATPase H+ transporting V1 subunit A; plus strand). Cytogenetic location: 3q13.31.
Variant type: Duplication.
Identifiers: ClinVar variation 4689273 (VCV004689273.1).

ClinVar aggregate classification (germline): Uncertain significance (1 of 4 stars; one submission).

Submission:

Women's Health and Genetics/Laboratory Corporation of America, LabCorp
Classification: Uncertain significance. Last evaluated: 2026-01-19. Review status: criteria provided, single submitter. Criteria: LabCorp Variant Classification Summary - May 2015. Collection method: clinical testing. Allele origin: germline.
Comment: Variant summary: The variant involves the duplication of exons 8-14 in the ATP6V1A gene. A presumed nomenclature of c.(879+1_880-1)_(1761+1_1762-1)dup has been designated for the purposes of this classification. It is assumed to be a tandem duplication in direct orientation (PMIDs: 25640679, 30054569). This Copy Number Variant (CNV) is predicted to result in an in-frame duplication within this gene. The variant was absent in 21694 control chromosomes. The available data on variant occurrences in the general population are insufficient to allow any conclusion about variant significance. To our knowledge, no occurrence of c.(879+1_880-1)_(1761+1_1762-1)dup in individuals affected with ATP6V1A-related conditions and no experimental evidence demonstrating its impact on protein function have been reported. No submitters have cited clinical-significance assessments for this variant to ClinVar. Based on the evidence outlined above, the variant was classified as uncertain significance.